The following is an entry in ClinVar:

ClinVar aggregate classification (germline): Uncertain significance (1 of 4 stars; one submission).

Conditions:
Bethlem myopathy 1A. Also called: Bethlem myopathy 1; MYOPATHY, BENIGN CONGENITAL, WITH CONTRACTURES; Bethlem Muscular Dystrophy. Identifiers: Orphanet 610, MedGen CN029274, MONDO:0024530, OMIM 158810.

gnomAD v4.1: 1 of 1,614,212 alleles (0.000062%); highest among the groups gnomAD compares: Non-Finnish European, 0.000085%; no homozygotes.

Submission:

Labcorp Genetics (formerly Invitae), Labcorp
Classification: Uncertain significance for Bethlem myopathy 1A. Last evaluated: 2024-08-31. Review status: criteria provided, single submitter. Criteria: Invitae Variant Classification Sherloc (09022015). Collection method: clinical testing. Allele origin: germline.
Comment: This sequence change replaces serine, which is neutral and polar, with phenylalanine, which is neutral and non-polar, at codon 989 of the COL6A3 protein (p.Ser989Phe). This variant is present in population databases (no rsID available, gnomAD 0.0009%). This variant has not been reported in the literature in individuals affected with COL6A3-related conditions. Invitae Evidence Modeling of protein sequence and biophysical properties (such as structural, functional, and spatial information, amino acid conservation, physicochemical variation, residue mobility, and thermodynamic stability) indicates that this missense variant is not expected to disrupt COL6A3 protein function with a negative predictive value of 80%. In summary, the available evidence is currently insufficient to determine the role of this variant in disease. Therefore, it has been classified as a Variant of Uncertain Significance.

NM_004369.4(COL6A3):c.2966C>T (p.Ser989Phe)

Gene: COL6A3 (collagen type VI alpha 3 chain; minus strand). Cytogenetic location: 2q37.3.
Variant type: single nucleotide variant.
Coding change: c.2966C>T on transcript NM_004369.4 (MANE Select); coding-DNA position 2966, C replaced by T.
Protein change: p.Ser989Phe; replaces serine 989 with phenylalanine.
Molecular consequence: missense variant.
Genome position (GRCh38, 1-based): chr2:237,376,876, G>A on the plus strand (C>T on the coding strand, the complement: COL6A3 is on the minus strand). VCF-style: chr2-237376876-G-A. GRCh37 (hg19) VCF-style: chr2-238285519-G-A.
Other names: c.1745C>T, p.Ser582Phe (NM_057164.5); c.2348C>T, p.Ser783Phe (NM_057165.5, NM_057167.4); c.1145C>T, p.Ser382Phe (NM_057166.5); short protein forms S382F, S582F, S783F, S989F.
Identifiers: ClinVar variation 3604929 (VCV003604929.2).